The following is an entry in ClinVar:

NM_001105206.3(LAMA4):c.2488A>G (p.Ser830Gly)

Gene: LAMA4 (laminin subunit alpha 4; minus strand). Cytogenetic location: 6q21.
Variant type: single nucleotide variant.
Coding change: c.2488A>G on transcript NM_001105206.3 (MANE Select); coding-DNA position 2488, A replaced by G.
Protein change: p.Ser830Gly; replaces serine 830 with glycine.
Molecular consequence: missense variant.
Genome position (GRCh38, 1-based): chr6:112,144,799, T>C on the plus strand (A>G on the coding strand, the complement: LAMA4 is on the minus strand). VCF-style: chr6-112144799-T-C. GRCh37 (hg19) VCF-style: chr6-112466001-T-C.
Other names: c.2467A>G, p.Ser823Gly (NM_001105207.3, NM_002290.5); short protein forms S823G, S830G.
Identifiers: ClinVar variation 1791699 (VCV001791699.2), dbSNP rs1779920846, ClinGen allele CA365382579.

ClinVar aggregate classification (germline): Uncertain significance (1 of 4 stars; one submission).

Conditions:
Cardiovascular phenotype. Identifiers: MedGen CN230736.

Allele frequency attached by ClinVar (database versions not stated): TOPMed below 0.00001.
gnomAD v4.1: 8 of 1,613,474 alleles (0.0005%); highest among the groups gnomAD compares: Non-Finnish European, 0.00068%; no homozygotes.

Submission:

Ambry Genetics
Classification: Uncertain significance for Cardiovascular phenotype. Last evaluated: 2021-12-03. Review status: criteria provided, single submitter. Criteria: Ambry Variant Classification Scheme 2023. Collection method: clinical testing. Allele origin: germline.
Comment: The p.S823G variant (also known as c.2467A>G), located in coding exon 18 of the LAMA4 gene, results from an A to G substitution at nucleotide position 2467. The serine at codon 823 is replaced by glycine, an amino acid with similar properties. This amino acid position is conserved. In addition, this alteration is predicted to be tolerated by in silico analysis. Since supporting evidence is limited at this time, the clinical significance of this alteration remains unclear.